The following is an entry in ClinVar:

ClinVar aggregate classification (germline): Uncertain significance (1 of 4 stars; one submission).

gnomAD v4.1: 6 of 1,614,014 alleles (0.00037%); highest among the groups gnomAD compares: Non-Finnish European, 0.00042%; no homozygotes.

Submission:

GeneDx
Classification: Uncertain significance. Last evaluated: 2024-03-06. Review status: criteria provided, single submitter. Criteria: GeneDx Variant Classification Process June 2021. Collection method: clinical testing. Allele origin: germline. Affected: yes.
Comment: In silico analysis supports that this missense variant has a deleterious effect on protein structure/function; Has not been previously published as pathogenic or benign to our knowledge

NM_012199.5(AGO1):c.2413C>T (p.Arg805Cys)

Gene: AGO1 (argonaute RISC component 1; plus strand). Cytogenetic location: 1p34.3.
Variant type: single nucleotide variant.
Coding change: c.2413C>T on transcript NM_012199.5 (MANE Select); coding-DNA position 2413, C replaced by T.
Protein change: p.Arg805Cys; replaces arginine 805 with cysteine.
Molecular consequence: missense variant.
Genome position (GRCh38, 1-based): chr1:35,919,202, C>T. VCF-style: chr1-35919202-C-T. GRCh37 (hg19) VCF-style: chr1-36384803-C-T.
Other names: c.2413C>T, p.Arg805Cys (NM_001317122.2); c.2188C>T, p.Arg730Cys (NM_001317123.2); short protein forms R730C, R805C.
Identifiers: ClinVar variation 3370548 (VCV003370548.1).